The following is an entry in ClinVar:

NM_024675.4(PALB2):c.767G>A (p.Ser256Asn)

Gene: PALB2 (partner and localizer of BRCA2; minus strand). Cytogenetic location: 16p12.2.
Variant type: single nucleotide variant.
Coding change: c.767G>A on transcript NM_024675.4 (MANE Select); coding-DNA position 767, G replaced by A.
Protein change: p.Ser256Asn; replaces serine 256 with asparagine.
Molecular consequence: missense variant. On other transcripts: 5 prime UTR variant (8), intron variant (3).
Genome position (GRCh38, 1-based): chr16:23,635,779, C>T on the plus strand (G>A on the coding strand, the complement: PALB2 is on the minus strand). VCF-style: chr16-23635779-C-T. GRCh37 (hg19) VCF-style: chr16-23647100-C-T.
Other names: c.707G>A, p.Ser236Asn (NM_001407296.1); c.767G>A, p.Ser256Asn (NM_001407297.1, NM_001407298.1, NM_001407299.1 and 3 more transcripts); c.-119G>A (NM_001407304.1, NM_001407305.1, NM_001407306.1 and 5 more transcripts); c.48+5331G>A (NM_001407314.1); c.-104-5310G>A (NM_001407313.1, NM_001407312.1); short protein forms S236N, S256N.
Identifiers: ClinVar variation 3228043 (VCV003228043.1), dbSNP rs935956250, ClinGen allele CA395136129.

ClinVar aggregate classification (germline): Uncertain significance (1 of 4 stars; one submission).

Conditions:
Hereditary cancer-predisposing syndrome. Also called: Neoplastic Syndromes, Hereditary; Tumor predisposition; Hereditary neoplastic syndrome; Hereditary Cancer Syndrome. Identifiers: Orphanet 140162, MedGen C0027672, MeSH D009386, MONDO:0015356.

gnomAD v4.1: 1 of 1,614,152 alleles (0.000062%); highest among the groups gnomAD compares: Non-Finnish European, 0.000085%; no homozygotes.

Submission:

Ambry Genetics
Classification: Uncertain significance for Hereditary cancer-predisposing syndrome. Last evaluated: 2023-12-24. Review status: criteria provided, single submitter. Criteria: Ambry Variant Classification Scheme 2023. Collection method: clinical testing. Allele origin: germline.
Comment: The p.S256N variant (also known as c.767G>A), located in coding exon 4 of the PALB2 gene, results from a G to A substitution at nucleotide position 767. The serine at codon 256 is replaced by asparagine, an amino acid with highly similar properties. This amino acid position is conserved. In addition, this alteration is predicted to be tolerated by in silico analysis. Since supporting evidence is limited at this time, the clinical significance of this alteration remains unclear.